The following is an entry in ClinVar:

NM_199420.4(POLQ):c.4732G>C (p.Val1578Leu)

Gene: POLQ (DNA polymerase theta; minus strand). Cytogenetic location: 3q13.33.
Variant type: single nucleotide variant.
Coding change: c.4732G>C on transcript NM_199420.4 (MANE Select); coding-DNA position 4732, G replaced by C.
Protein change: p.Val1578Leu; replaces valine 1578 with leucine.
Molecular consequence: missense variant.
Genome position (GRCh38, 1-based): chr3:121,488,199, C>G on the plus strand (G>C on the coding strand, the complement: POLQ is on the minus strand). VCF-style: chr3-121488199-C-G. GRCh37 (hg19) VCF-style: chr3-121207046-C-G.
Other names: short protein forms V1578L.
Identifiers: ClinVar variation 3308521 (VCV003308521.1).
Genomic context (GRCh38, chr3:121,488,199, plus strand): 5'-GTACTGGATCACTTAGTTCTAATGCTCTAGGAGATACTACAGTATGATTCTTCTCTTGGA[C>G]AGGAAATATATCCACATTGTCCAAAGCTTCAACCATCTGAACAGAATCCATTTCTGAAAA-3'
Protein context (NP_955452.3, residues 1568-1588): EALDNVDIFP[Val1578Leu]QEKNHTVVSP

ClinVar aggregate classification (germline): Uncertain significance (1 of 4 stars; one submission).

Submission:

Ambry Genetics
Classification: Uncertain significance. Last evaluated: 2024-04-04. Review status: criteria provided, single submitter. Criteria: Ambry Variant Classification Scheme 2023. Collection method: clinical testing. Allele origin: germline.
Comment: The p.V1578L variant (also known as c.4732G>C), located in coding exon 16 of the POLQ gene, results from a G to C substitution at nucleotide position 4732. The valine at codon 1578 is replaced by leucine, an amino acid with highly similar properties. This amino acid position is conserved. In addition, this alteration is predicted to be tolerated by in silico analysis. Based on the available evidence, the clinical significance of this variant remains unclear.